The following is an entry in ClinVar:

NM_000489.6(ATRX):c.6898G>A (p.Val2300Ile)

Gene: ATRX (ATRX chromatin remodeler; minus strand). Cytogenetic location: Xq21.1.
Variant type: single nucleotide variant.
Coding change: c.6898G>A on transcript NM_000489.6 (MANE Select); coding-DNA position 6898, G replaced by A.
Protein change: p.Val2300Ile; replaces valine 2300 with isoleucine.
Molecular consequence: missense variant.
Genome position (GRCh38, 1-based): chrX:77,522,340, C>T on the plus strand (G>A on the coding strand, the complement: ATRX is on the minus strand). VCF-style: chrX-77522340-C-T. GRCh37 (hg19) VCF-style: chrX-76777818-C-T.
Other names: c.6784G>A, p.Val2262Ile (NM_138270.5); short protein forms V2262I, V2300I.
Identifiers: ClinVar variation 3375846 (VCV003375846.1).

ClinVar aggregate classification (germline): Uncertain significance (1 of 4 stars; one submission).

Submission:

GeneDx
Classification: Uncertain significance. Last evaluated: 2024-05-06. Review status: criteria provided, single submitter. Criteria: GeneDx Variant Classification Process June 2021. Collection method: clinical testing. Allele origin: germline. Affected: yes.
Comment: Not observed at significant frequency in large population cohorts (gnomAD); In silico analysis indicates that this missense variant does not alter protein structure/function; Has not been previously published as pathogenic or benign to our knowledge